The following is an entry in ClinVar:

ClinVar aggregate classification (germline): Uncertain significance (1 of 4 stars; one submission).

Submission:

Labcorp Genetics (formerly Invitae), Labcorp
Classification: Uncertain significance. Last evaluated: 2023-09-17. Review status: criteria provided, single submitter. Criteria: Invitae Variant Classification Sherloc (09022015). Collection method: clinical testing. Allele origin: germline.
Comment: In summary, the available evidence is currently insufficient to determine the role of this variant in disease. Therefore, it has been classified as a Variant of Uncertain Significance. This sequence change replaces glycine, which is neutral and non-polar, with serine, which is neutral and polar, at codon 802 of the DSCAML1 protein (p.Gly802Ser). Algorithms developed to predict the effect of sequence changes on RNA splicing suggest that this variant may create or strengthen a splice site. An algorithm developed to predict the effect of missense changes on protein structure and function (PolyPhen-2) suggests that this variant is likely to be tolerated. This variant has not been reported in the literature in individuals affected with DSCAML1-related conditions. This variant is not present in population databases (gnomAD no frequency).

NM_020693.4(DSCAML1):c.2224G>A (p.Gly742Ser)

Gene: DSCAML1 (DS cell adhesion molecule like 1; minus strand). Cytogenetic location: 11q23.3.
Variant type: single nucleotide variant.
Coding change: c.2224G>A on transcript NM_020693.4 (MANE Select); coding-DNA position 2224, G replaced by A.
Protein change: p.Gly742Ser; replaces glycine 742 with serine.
Molecular consequence: missense variant.
Genome position (GRCh38, 1-based): chr11:117,503,980, C>T on the plus strand (G>A on the coding strand, the complement: DSCAML1 is on the minus strand). VCF-style: chr11-117503980-C-T. GRCh37 (hg19) VCF-style: chr11-117374695-C-T.
Other names: c.2224G>A, p.Gly742Ser (NM_001367904.1); short protein forms G742S.
Identifiers: ClinVar variation 2990095 (VCV002990095.3), dbSNP rs2543227504, ClinGen allele CA382753840.